The following is an entry in ClinVar:

NM_014258.4(SYCP2):c.1505-6T>C

Gene: SYCP2 (synaptonemal complex protein 2; minus strand). Cytogenetic location: 20q13.33.
Variant type: single nucleotide variant.
Coding change: c.1505-6T>C on transcript NM_014258.4 (MANE Select); 6 bases into the intron before coding-DNA position 1505, T replaced by C.
Molecular consequence: intron variant.
Genome position (GRCh38, 1-based): chr20:59,895,603, A>G on the plus strand (T>C on the coding strand, the complement: SYCP2 is on the minus strand). VCF-style: chr20-59895603-A-G. GRCh37 (hg19) VCF-style: chr20-58470658-A-G.
Identifiers: ClinVar variation 3905201 (VCV003905201.10).
Genomic context (GRCh38, chr20:59,895,603, plus strand): 5'-GCAGAGCTCGTCATTTGCAGTGGTGGTTTAATTCTTCTTCTTCGTGGTGGTATTGCTAAA[A>G]AGGAGGACAAGGATTGCAGATTTTTCTTTTTTTACCTATTGCTATTATTGAGGTACTTTT-3'

ClinVar aggregate classification (germline): Uncertain significance (1 of 4 stars; one submission).

gnomAD v4.1: 20 of 1,607,424 alleles (0.0012%); highest among the groups gnomAD compares: Middle Eastern, 0.05%; 1 homozygote.

Submission:

CeGaT Center for Human Genetics Tuebingen
Classification: Uncertain significance. Last evaluated: 2025-04-01. Review status: criteria provided, single submitter. Criteria: CeGaT Center For Human Genetics Tuebingen Variant Classification Criteria Version 2. Collection method: clinical testing. Allele origin: germline. Affected: yes. Observed: 1 variant allele.
Comment: SYCP2: PM2, BP4